The following is an entry in ClinVar:

NM_005996.4(TBX3):c.1443C>T (p.Leu481=)

Gene: TBX3 (T-box transcription factor 3; minus strand). Cytogenetic location: 12q24.21.
Variant type: single nucleotide variant.
Coding change: c.1443C>T on transcript NM_005996.4 (MANE Select); coding-DNA position 1443, C replaced by T.
Protein change: p.Leu481=; no amino-acid change (leucine 481 retained).
Molecular consequence: synonymous variant.
Genome position (GRCh38, 1-based): chr12:114,674,432, G>A on the plus strand (C>T on the coding strand, the complement: TBX3 is on the minus strand). VCF-style: chr12-114674432-G-A. GRCh37 (hg19) VCF-style: chr12-115112237-G-A.
Other names: c.1503C>T, p.Leu501= (NM_016569.4); c.1503C>T (NM_016569.3).
Identifiers: ClinVar variation 1543776 (VCV001543776.9), dbSNP rs1171297655, ClinGen allele CA482136228.

ClinVar aggregate classification (germline): Likely benign. Review status: criteria provided, multiple submitters, no conflicts (2 of 4 stars). 2 submissions from 2 submitters: Likely benign (2). Last evaluated 2026-09-25.

Conditions:
TBX3-related disorder. Also called: TBX3-related condition.
Ulnar-mammary syndrome (UMS). Also called: Ulnar-mammary syndrome of Pallister; PALLISTER ULNAR-MAMMARY SYNDROME; SCHINZEL SYNDROME. Identifiers: Orphanet 3138, MedGen C1866994, MONDO:0008411, OMIM 181450.

gnomAD v4.1: 3 of 1,548,848 alleles (0.00019%); highest among the groups gnomAD compares: East Asian, 0.0024%; no homozygotes.

Submissions (2):

PreventionGenetics, part of Exact Sciences
Classification: Likely benign for TBX3-related condition. Last evaluated: 2026-09-25. Review status: criteria provided, single submitter. Criteria: ACMG Guidelines, 2015. Collection method: clinical testing. Allele origin: germline.
Comment: This variant is classified as likely benign based on ACMG/AMP sequence variant interpretation guidelines (Richards et al. 2015 PMID: 25741868, with internal and published modifications).

Labcorp Genetics (formerly Invitae), Labcorp
Classification: Likely benign for Ulnar-mammary syndrome. Last evaluated: 2021-06-15. Review status: criteria provided, single submitter. Criteria: Invitae Variant Classification Sherloc (09022015). Collection method: clinical testing. Allele origin: germline.